The following is an entry in ClinVar:

NM_000548.5(TSC2):c.482C>G (p.Ala161Gly)

Gene: TSC2 (TSC complex subunit 2; plus strand). Cytogenetic location: 16p13.3.
Variant type: single nucleotide variant.
Coding change: c.482C>G on transcript NM_000548.5 (MANE Select); coding-DNA position 482, C replaced by G.
Protein change: p.Ala161Gly; replaces alanine 161 with glycine.
Molecular consequence: missense variant. On other transcripts: intron variant (1).
Genome position (GRCh38, 1-based): chr16:2,055,402, C>G. VCF-style: chr16-2055402-C-G. GRCh37 (hg19) VCF-style: chr16-2105403-C-G.
Other names: c.482C>G, p.Ala161Gly (NM_001077183.3, NM_001114382.3, NM_001363528.2 and 3 more transcripts); c.371C>G, p.Ala124Gly (NM_001318827.2); c.335C>G, p.Ala112Gly (NM_001318829.2); c.515C>G, p.Ala172Gly (NM_001318832.2); c.-1-794C>G (NM_001318831.2); short protein forms A124G, A172G, A112G, A161G.
Identifiers: ClinVar variation 649299 (VCV000649299.10), dbSNP rs45481496, ClinGen allele CA394309024.

ClinVar aggregate classification (germline): Uncertain significance (1 of 4 stars; one submission).

Conditions:
Tuberous sclerosis 2 (TSC2). Identifiers: Orphanet 805, MedGen C1860707, MONDO:0013199, OMIM 613254.

Submission:

Labcorp Genetics (formerly Invitae), Labcorp
Classification: Uncertain significance for Tuberous sclerosis 2. Last evaluated: 2024-06-25. Review status: criteria provided, single submitter. Criteria: Invitae Variant Classification Sherloc (09022015). Collection method: clinical testing. Allele origin: germline.
Comment: This sequence change replaces alanine, which is neutral and non-polar, with glycine, which is neutral and non-polar, at codon 161 of the TSC2 protein (p.Ala161Gly). This variant is not present in population databases (gnomAD no frequency). This variant has not been reported in the literature in individuals affected with TSC2-related conditions. ClinVar contains an entry for this variant (Variation ID: 649299). An algorithm developed to predict the effect of missense changes on protein structure and function (PolyPhen-2) suggests that this variant is likely to be tolerated. In summary, the available evidence is currently insufficient to determine the role of this variant in disease. Therefore, it has been classified as a Variant of Uncertain Significance.